The following is an entry in ClinVar:

NM_002473.6(MYH9):c.3012C>G (p.Phe1004Leu)

Gene: MYH9 (myosin heavy chain 9; minus strand). Cytogenetic location: 22q12.3.
Variant type: single nucleotide variant.
Coding change: c.3012C>G on transcript NM_002473.6 (MANE Select); coding-DNA position 3012, C replaced by G.
Protein change: p.Phe1004Leu; replaces phenylalanine 1004 with leucine.
Molecular consequence: missense variant.
Genome position (GRCh38, 1-based): chr22:36,299,007, G>C on the plus strand (C>G on the coding strand, the complement: MYH9 is on the minus strand). VCF-style: chr22-36299007-G-C. GRCh37 (hg19) VCF-style: chr22-36695053-G-C.
Other names: short protein forms F1004L.
Identifiers: ClinVar variation 4989055 (VCV004989055.1).

ClinVar aggregate classification (germline): Uncertain significance (1 of 4 stars; one submission).

Conditions:
MYH9-related disorder. Identifiers: MedGen C1854520.

Submission:

PreventionGenetics, part of Exact Sciences
Classification: Uncertain significance for MYH9-related condition. Last evaluated: 2026-03-10. Review status: criteria provided, single submitter. Criteria: ACMG Guidelines, 2015. Collection method: clinical testing. Allele origin: germline.
Comment: The MYH9 c.3012C>G variant is predicted to result in the amino acid substitution p.Phe1004Leu. To our knowledge, this variant has not been reported in the literature. This variant is reported in 0.0026% of alleles in individuals of European (Non-Finnish) descent in gnomAD. At this time, the clinical significance of this variant is uncertain due to the absence of conclusive functional and genetic evidence.